The following is an entry in ClinVar:

ClinVar aggregate classification (germline): Conflicting classifications of pathogenicity. Review status: criteria provided, conflicting classifications (1 of 4 stars). 3 submissions from 3 submitters: Uncertain significance (1); Likely benign (2). Last evaluated 2025-11-15.

Conditions:
Primary ciliary dyskinesia. Also called: Ciliary dyskinesia. Identifiers: Orphanet 244, MedGen C0008780, MONDO:0016575, HP:0012265.

Allele frequency attached by ClinVar (database versions not stated): TOPMed 0.00003; gnomAD 0.00005; gnomAD exomes 0.00005; ExAC 0.00007; 1000 Genomes Project 30x 0.00016; 1000 Genomes Project 0.00020.

Submissions (3):

Labcorp Genetics (formerly Invitae), Labcorp
Classification: Likely benign for Primary ciliary dyskinesia. Last evaluated: 2025-11-15. Review status: criteria provided, single submitter. Criteria: Invitae Variant Classification Sherloc (09022015). Collection method: clinical testing. Allele origin: germline.

GeneDx
Classification: Uncertain significance. Last evaluated: 2025-11-05. Review status: criteria provided, single submitter. Criteria: GeneDx Variant Classification Process June 2021. Collection method: clinical testing. Allele origin: germline.
Comment: In silico analysis supports that this missense variant has a deleterious effect on protein structure/function; Has not been previously published as pathogenic or benign to our knowledge

Ambry Genetics
Classification: Likely benign for Primary ciliary dyskinesia. Last evaluated: 2021-12-06. Review status: criteria provided, single submitter. Criteria: Ambry Variant Classification Scheme 2023. Collection method: clinical testing. Allele origin: germline.

NM_001369.3(DNAH5):c.8395C>T (p.Arg2799Trp)

Gene: DNAH5 (dynein axonemal heavy chain 5; minus strand). Cytogenetic location: 5p15.2.
Variant type: single nucleotide variant.
Coding change: c.8395C>T on transcript NM_001369.3 (MANE Select); coding-DNA position 8395, C replaced by T.
Protein change: p.Arg2799Trp; replaces arginine 2799 with tryptophan.
Molecular consequence: missense variant.
Genome position (GRCh38, 1-based): chr5:13,792,047, G>A on the plus strand (C>T on the coding strand, the complement: DNAH5 is on the minus strand). VCF-style: chr5-13792047-G-A. GRCh37 (hg19) VCF-style: chr5-13792156-G-A.
Other names: short protein forms R2799W.
Identifiers: ClinVar variation 1763199 (VCV001763199.9), dbSNP rs542159073, ClinGen allele CA3202834.